The following is an entry in ClinVar:

ClinVar aggregate classification (germline): Uncertain significance. Review status: criteria provided, single submitter (1 of 4 stars). 2 submissions from 2 submitters: Uncertain significance (1). 1 of the submissions does not count toward it. Last evaluated 2022-09-13.

Conditions:
Muscular dystrophy-dystroglycanopathy (congenital with brain and eye anomalies), type A2. Also called: MUSCULAR DYSTROPHY-DYSTROGLYCANOPATHY (CONGENITAL WITH BRAIN AND EYE ANOMALIES), TYPE A, 2; WALKER-WARBURG SYNDROME OR MUSCLE-EYE-BRAIN DISEASE, POMT2-RELATED. Identifiers: Orphanet 588, Orphanet 899, MedGen C3150411, MONDO:0013154, OMIM 613150.
Muscular dystrophy-dystroglycanopathy (congenital with impaired intellectual development), type B, 2. Also called: MUSCULAR DYSTROPHY, CONGENITAL, POMT2-RELATED; Muscular dystrophy-dystroglycanopathy (congenital with intellectual disability), type B2. Identifiers: MedGen C3150416, MONDO:0013160, OMIM 613156.
Autosomal recessive limb-girdle muscular dystrophy type 2N. Also called: Muscular dystrophy-dystroglycanopathy (limb-girdle), type C, 2; MUSCULAR DYSTROPHY-DYSTROGLYCANOPATHY, LIMB-GIRDLE, POMT2-RELATED. Identifiers: Orphanet 206559, MedGen C3150418, MONDO:0013162, OMIM 613158.
POMT2-related disorder. Also called: POMT2-related condition.

Allele frequency attached by ClinVar (database versions not stated): TOPMed 0.00002; gnomAD exomes 0.00001; ExAC 0.00002; gnomAD 0.00003.
gnomAD v4.1: 13 of 1,614,040 alleles (0.00081%); highest among the groups gnomAD compares: South Asian, 0.0011%; no homozygotes.

Submissions (2):

Labcorp Genetics (formerly Invitae), Labcorp
Classification: Uncertain significance for Muscular dystrophy-dystroglycanopathy (congenital with impaired intellectual development), type B, 2; Muscular dystrophy-dystroglycanopathy (congenital with brain and eye anomalies), type A2; Autosomal recessive limb-girdle muscular dystrophy type 2N. Last evaluated: 2022-09-13. Review status: criteria provided, single submitter. Criteria: Invitae Variant Classification Sherloc (09022015). Collection method: clinical testing. Allele origin: germline.
Comment: This sequence change falls in intron 16 of the POMT2 gene. It does not directly change the encoded amino acid sequence of the POMT2 protein. It affects a nucleotide within the consensus splice site. This variant is present in population databases (rs758851815, gnomAD 0.003%). This variant has not been reported in the literature in individuals affected with POMT2-related conditions. ClinVar contains an entry for this variant (Variation ID: 1062353). Variants that disrupt the consensus splice site are a relatively common cause of aberrant splicing (PMID: 17576681, 9536098). Algorithms developed to predict the effect of sequence changes on RNA splicing suggest that this variant is not likely to affect RNA splicing. In summary, the available evidence is currently insufficient to determine the role of this variant in disease. Therefore, it has been classified as a Variant of Uncertain Significance.

PreventionGenetics, part of Exact Sciences
Classification: Likely benign for POMT2-related condition. Last evaluated: 2020-08-24. Review status: no assertion criteria provided. Collection method: clinical testing. Allele origin: germline. Not counted in ClinVar's aggregate classification.
Comment: This variant is classified as likely benign based on ACMG/AMP sequence variant interpretation guidelines (Richards et al. 2015 PMID: 25741868, with internal and published modifications).

Literature cited by the submitters: PubMed 17576681 (cited by Labcorp Genetics (formerly Invitae), Labcorp); PubMed 9536098 (cited by Labcorp Genetics (formerly Invitae), Labcorp).

NM_013382.7(POMT2):c.1725+4G>A

Gene: POMT2 (protein O-mannosyltransferase 2; minus strand). Cytogenetic location: 14q24.3.
Variant type: single nucleotide variant.
Coding change: c.1725+4G>A on transcript NM_013382.7 (MANE Select); 4 bases into the intron after coding-DNA position 1725, G replaced by A.
Molecular consequence: intron variant.
Genome position (GRCh38, 1-based): chr14:77,280,388, C>T on the plus strand (G>A on the coding strand, the complement: POMT2 is on the minus strand). VCF-style: chr14-77280388-C-T. GRCh37 (hg19) VCF-style: chr14-77746731-C-T.
Other names: c.1725+4G>A (NM_013382.5).
Identifiers: ClinVar variation 1062353 (VCV001062353.6), dbSNP rs758851815, ClinGen allele CA7285748.
Genomic context (GRCh38, chr14:77,280,388, plus strand): 5'-ACCGGTCTCCCTGCTCTTGTTCTTGGCTCCATTTCCTGGGAGGAGCCCCAGCCTTGGATC[C>T]TACCTGATAGTTGATAGGCCAGTGCCAGGGTTTGGACGTGAACTCATTGTCCTTGGGTTT-3'